The following is an entry in ClinVar:

NM_000038.6(APC):c.3602C>A (p.Ser1201Ter)

Gene: APC (APC regulator of Wnt signaling pathway; plus strand). Cytogenetic location: 5q22.2.
Variant type: single nucleotide variant.
Coding change: c.3602C>A on transcript NM_000038.6 (MANE Select); coding-DNA position 3602, C replaced by A.
Protein change: p.Ser1201Ter; replaces serine 1201 with a stop codon.
Molecular consequence: nonsense.
Genome position (GRCh38, 1-based): chr5:112,839,196, C>A. VCF-style: chr5-112839196-C-A. GRCh37 (hg19) VCF-style: chr5-112174893-C-A.
Other names: c.3527C>A, p.Ser1176Ter (NM_001354898.2); c.3518C>A, p.Ser1173Ter (NM_001354899.2); c.3479C>A, p.Ser1160Ter (NM_001354900.2); c.3425C>A, p.Ser1142Ter (NM_001354901.2); c.3329C>A, p.Ser1110Ter (NM_001354902.2); c.3299C>A, p.Ser1100Ter (NM_001354903.2); c.3224C>A, p.Ser1075Ter (NM_001354904.2); c.3122C>A, p.Ser1041Ter (NM_001354905.2); and 5 more; short protein forms S1183*, S1201*, S1142*, S1176*, S1211*, S1173*, S1041*, S1110*.
Identifiers: ClinVar variation 217968 (VCV000217968.7), dbSNP rs730881247, ClinGen allele CA248552.
Genomic context (GRCh38, chr5:112,839,196, plus strand): 5'-TAAAATATGCCACAGATATTCCTTCATCACAGAAACAGTCATTTTCATTCTCAAAGAGTT[C>A]ATCTGGACAAAGCAGTAAAACCGAACATATGTCTTCAAGCAGTGAGAATACGTCCACACC-3'

ClinVar aggregate classification (germline): Pathogenic. Review status: criteria provided, single submitter (1 of 4 stars). 2 submissions from 2 submitters: Pathogenic (1). 1 of the submissions does not count toward it. Last evaluated 2021-04-14.

Conditions:
Hereditary cancer-predisposing syndrome. Also called: Hereditary Cancer Syndrome; Hereditary neoplastic syndrome; Neoplastic Syndromes, Hereditary; Tumor predisposition. Identifiers: Orphanet 140162, MedGen C0027672, MeSH D009386, MONDO:0015356.

Submissions (2):

Ambry Genetics
Classification: Pathogenic for Hereditary cancer-predisposing syndrome. Last evaluated: 2021-04-14. Review status: criteria provided, single submitter. Criteria: Ambry Variant Classification Scheme 2023. Collection method: clinical testing. Allele origin: germline.
Comment: The p.S1201* pathogenic mutation (also known as c.3602C>A), located in coding exon 15 of the APC gene, results from a C to A substitution at nucleotide position 3602. This changes the amino acid from a serine to a stop codon within coding exon 15. This alteration occurs at the 3' terminus of theAPC gene, is not expected to trigger nonsense-mediated mRNA decay, and impacts the last 1643 amino acids of the protein. However, premature stop codons are typically deleterious in nature, the impacted region is critical for protein function, and a significant portion of the protein is affected (Ambry internal data). Another alteration, c.3602C>G, that results in the same premature stop codon, p.S1201*, has been reported in multiple patients with familial adenomatous polyposis (FAP) (Aretz S et al. Eur J Hum Genet, 2004 Jan;12:52-8; Friedl W et al. Hered Cancer Clin Pract, 2005 Sep;3:95-114; Susswein LR et al. Genet Med, 2016 08;18:823-32). Based on the supporting evidence, this alteration is interpreted as a disease-causing mutation.

Mayo Clinic Laboratories, Mayo Clinic
Classification: Likely pathogenic. Review status: no assertion criteria provided. Collection method: research. Allele origin: unknown. Observed: 1 variant allele. Not counted in ClinVar's aggregate classification.

Literature cited by the submitters: PubMed 14523376 (cited by Ambry Genetics); PubMed 20223039 (cited by Ambry Genetics); PubMed 26681312 (cited by Ambry Genetics).